The following is an entry in ClinVar:

ClinVar aggregate classification (germline): Conflicting classifications of pathogenicity. Review status: criteria provided, conflicting classifications (1 of 4 stars). 3 submissions from 3 submitters: Uncertain significance (1); Likely benign (1). 1 of the submissions does not count toward it. Last evaluated 2026-01-26.

Conditions:
OCA2-related disorder. Also called: OCA2-related condition.

Allele frequency attached by ClinVar (database versions not stated): gnomAD exomes 0.00013 and 0.00068; gnomAD 0.00014 and 0.00015; TOPMed 0.00029; 1000 Genomes Project 0.00040; 1000 Genomes Project 30x 0.00047; ExAC 0.00050.
gnomAD v4.1: 203 of 1,613,840 alleles (0.013%); highest among the groups gnomAD compares: Admixed American, 0.33%; 1 homozygote.

Submissions (3):

Labcorp Genetics (formerly Invitae), Labcorp
Classification: Likely benign. Last evaluated: 2026-01-26. Review status: criteria provided, single submitter. Criteria: Invitae Variant Classification Sherloc (09022015). Collection method: clinical testing. Allele origin: germline.

Blueprint Genetics
Classification: Uncertain significance. Last evaluated: 2024-01-19. Review status: criteria provided, single submitter. Criteria: ACMG Guidelines, 2015. Collection method: clinical testing. Allele origin: germline.

PreventionGenetics, part of Exact Sciences
Classification: Likely benign for OCA2-related condition. Last evaluated: 2020-12-16. Review status: no assertion criteria provided. Collection method: clinical testing. Allele origin: germline. Not counted in ClinVar's aggregate classification.
Comment: This variant is classified as likely benign based on ACMG/AMP sequence variant interpretation guidelines (Richards et al. 2015 PMID: 25741868, with internal and published modifications).

NM_000275.3(OCA2):c.1364G>A (p.Arg455Lys)

Gene: OCA2 (OCA2 melanosomal transmembrane protein; minus strand). Cytogenetic location: 15q13.1.
Variant type: single nucleotide variant.
Coding change: c.1364G>A on transcript NM_000275.3 (MANE Select); coding-DNA position 1364, G replaced by A.
Protein change: p.Arg455Lys; replaces arginine 455 with lysine.
Molecular consequence: missense variant.
Genome position (GRCh38, 1-based): chr15:27,985,064, C>T on the plus strand (G>A on the coding strand, the complement: OCA2 is on the minus strand). VCF-style: chr15-27985064-C-T. GRCh37 (hg19) VCF-style: chr15-28230210-C-T.
Other names: c.1292G>A, p.Arg431Lys (NM_001300984.2); short protein forms R455K, R431K.
Identifiers: ClinVar variation 710825 (VCV000710825.14), dbSNP rs139853866, ClinGen allele CA7439071.